The following is an entry in ClinVar:

ClinVar aggregate classification (germline): Uncertain significance (1 of 4 stars; one submission).

Submission:

Labcorp Genetics (formerly Invitae), Labcorp
Classification: Uncertain significance. Last evaluated: 2021-03-29. Review status: criteria provided, single submitter. Criteria: Invitae Variant Classification Sherloc (09022015). Collection method: clinical testing. Allele origin: germline.
Comment: This variant, c.2677_2679del, results in the deletion of 1 amino acid(s) of the EMC1 protein (p.Glu893del), but otherwise preserves the integrity of the reading frame. In summary, the available evidence is currently insufficient to determine the role of this variant in disease. Therefore, it has been classified as a Variant of Uncertain Significance. Experimental studies and prediction algorithms are not available or were not evaluated, and the functional significance of this variant is currently unknown. This variant has not been reported in the literature in individuals with EMC1-related conditions. This variant is present in population databases (rs756275805, ExAC 0.02%).

NM_015047.3(EMC1):c.2674GAG[1] (p.Glu893del)

Genes: EMC1 (ER membrane protein complex subunit 1; minus strand), EMC1-AS1 (EMC1 antisense RNA 1; plus strand). Cytogenetic location: 1p36.13.
Variant type: Microsatellite.
Coding change: c.2674GAG[1] on transcript NM_015047.3 (MANE Select); one copy of the 3-base unit GAG starting at c.2674; the reference has two copies in a row; one copy, 3 bases deleted.
Protein change: p.Glu893del; deletes glutamic acid 893.
Molecular consequence: inframe deletion.
Genome position (GRCh38, 1-based): chr1:19,219,692-19,219,694, CTC deleted on the plus strand (GAG on the coding strand, the reverse complement: EMC1 is on the minus strand); deleting any 3 consecutive bases within chr1:19,219,692-19,219,697 gives the same sequence; the position shown is the placement nearest the transcript's 3' end. VCF-style (leftmost placement, unchanged base first): chr1-19219691-TCTC-T. GRCh37 (hg19) VCF-style: chr1-19546185-TCTC-T.
Other names: c.2671GAG[1], p.Glu892del (NM_001271427.2, NM_001271428.2); c.2608GAG[1], p.Glu871del (NM_001271429.2); c.2683GAG[1], p.Glu896del (NM_001375820.1); c.2680GAG[1], p.Glu895del (NM_001375821.1); short protein forms E895del, E896del, E892del, E871del, E893del.
Identifiers: ClinVar variation 1355547 (VCV001355547.8), dbSNP rs756275805, ClinGen allele CA652174.